The following is an entry in ClinVar:

NM_001182.5(ALDH7A1):c.67A>G (p.Ser23Gly)

Gene: ALDH7A1 (aldehyde dehydrogenase 7 family member A1; minus strand). Cytogenetic location: 5q23.2.
Variant type: single nucleotide variant.
Coding change: c.67A>G on transcript NM_001182.5 (MANE Select); coding-DNA position 67, A replaced by G.
Protein change: p.Ser23Gly; replaces serine 23 with glycine.
Molecular consequence: missense variant. On other transcripts: 5 prime UTR variant (1).
Genome position (GRCh38, 1-based): chr5:126,595,132, T>C on the plus strand (A>G on the coding strand, the complement: ALDH7A1 is on the minus strand). VCF-style: chr5-126595132-T-C. GRCh37 (hg19) VCF-style: chr5-125930824-T-C.
Other names: p.S23G:AGC>GGC; c.-18A>G (NM_001201377.2); c.67A>G, p.Ser23Gly (NM_001202404.2); short protein forms S23G.
Identifiers: ClinVar variation 204856 (VCV000204856.9), dbSNP rs796052266, ClinGen allele CA313219.

ClinVar aggregate classification (germline): Uncertain significance. Review status: criteria provided, multiple submitters, no conflicts (2 of 4 stars). 4 submissions from 4 submitters: Uncertain significance (4). Last evaluated 2023-04-11.

Conditions:
Inborn genetic diseases. Identifiers: MedGen C0950123, MeSH D030342.
Pyridoxine-dependent epilepsy (EPEO4). Also called: Pyridoxine-Dependent Seizures; Pyridoxine-Dependent Epilepsy - ALDH7A1; PYRIDOXINE DEPENDENCY WITH SEIZURES; EPILEPSY, EARLY-ONSET, 4, VITAMIN B6-DEPENDENT. Identifiers: Orphanet 3006, MedGen C1849508, MONDO:0009945, OMIM 266100. Disease mechanism: loss of function.

Allele frequency attached by ClinVar (database versions not stated): gnomAD exomes 0.00001 and 0.00005; TOPMed 0.00002.
gnomAD v4.1: 63 of 1,571,026 alleles (0.004%); highest among the groups gnomAD compares: Non-Finnish European, 0.0054%; no homozygotes.

Submissions (4):

Genome-Nilou Lab
Classification: Uncertain significance for Pyridoxine-dependent epilepsy. Last evaluated: 2023-04-11. Review status: criteria provided, single submitter. Criteria: ACMG Guidelines, 2015. Collection method: clinical testing. Allele origin: germline. Affected: no.

Ambry Genetics
Classification: Uncertain significance for Inborn genetic diseases. Last evaluated: 2022-06-17. Review status: criteria provided, single submitter. Criteria: Ambry Variant Classification Scheme 2023. Collection method: clinical testing. Allele origin: germline.

Labcorp Genetics (formerly Invitae), Labcorp
Classification: Uncertain significance for Pyridoxine-dependent epilepsy. Last evaluated: 2021-08-30. Review status: criteria provided, single submitter. Criteria: Invitae Variant Classification Sherloc (09022015). Collection method: clinical testing. Allele origin: germline.
Comment: This sequence change replaces serine with glycine at codon 23 of the ALDH7A1 protein (p.Ser23Gly). The serine residue is weakly conserved and there is a small physicochemical difference between serine and glycine. This variant is not present in population databases (ExAC no frequency). This variant has not been reported in the literature in individuals affected with ALDH7A1-related conditions. ClinVar contains an entry for this variant (Variation ID: 204856). Algorithms developed to predict the effect of missense changes on protein structure and function are either unavailable or do not agree on the potential impact of this missense change (SIFT: "Deleterious"; PolyPhen-2: "Benign"; Align-GVGD: "Class C0"). In summary, the available evidence is currently insufficient to determine the role of this variant in disease. Therefore, it has been classified as a Variant of Uncertain Significance.

GeneDx
Classification: Uncertain significance. Last evaluated: 2018-09-21. Review status: criteria provided, single submitter. Criteria: GeneDx Variant Classification (06012015). Collection method: clinical testing. Allele origin: germline. Affected: yes.
Comment: p.Ser23Gly (AGC>GGC): c.67 A>G in exon 1 of the ALDH7A1 gene (NM_001182.4). The S23G variant has not been published as a pathogenic variant, nor has it been reported as a benign variant to our knowledge. The S23G variant is not observed at a significant frequency in large population cohorts (Lek et al., 2016). The S23G variant is a non-conservative amino acid substitution, which is likely to impact secondary protein structure as these residues differ in polarity, charge, size and/or other properties. However, in-silico analyses, including protein predictors and evolutionary conservation, support that this variant does not alter protein structure/function. Therefore, based on the currently available information, it is unclear whether this variant is a pathogenic variant or a rare benign variant. The variant is found in EPILEPSY panel(s).